The following is an entry in ClinVar:

NM_152564.5(VPS13B):c.2178_2200del (p.His727fs)

Gene: VPS13B (vacuolar protein sorting 13 homolog B; plus strand). Cytogenetic location: 8q22.2.
Variant type: Deletion.
Coding change: c.2178_2200del on transcript NM_152564.5 (MANE Select); coding-DNA positions 2178 to 2200, 23 bases deleted (TCATTATTGTTATGTACACTGCT).
Protein change: p.His727fs; shifts the reading frame from histidine 727.
Molecular consequence: frameshift variant.
Genome position (GRCh38, 1-based): chr8:99,156,713-99,156,735, TCATTATTGTTATGTACACTGCT deleted; deleting any 23 consecutive bases within chr8:99,156,708-99,156,735 gives the same sequence; the c. name uses the placement nearest the transcript's 3' end. VCF-style (leftmost placement, unchanged base first): chr8-99156707-CCTGCTTCATTATTGTTATGTACA-C. GRCh37 (hg19) VCF-style: chr8-100168935-CCTGCTTCATTATTGTTATGTACA-C.
Other names: c.2178_2200del, p.His727fs (NM_015243.3, NM_017890.5); short protein forms H727fs.
Identifiers: ClinVar variation 1065824 (VCV001065824.1), dbSNP rs2132624625, ClinGen allele CA2499219475.

ClinVar aggregate classification (germline): Likely pathogenic (1 of 4 stars; one submission).

Conditions:
Cohen syndrome (COH1). Also called: PEPPER SYNDROME; Cutis verticis gyrata, retinitis pigmentosa, and sensorineural deafness. Identifiers: Orphanet 193, MedGen C0265223, MONDO:0008999, OMIM 216550.

Submission:

Ocular Genomics Institute, Massachusetts Eye and Ear
Classification: Likely pathogenic for Cohen syndrome. Last evaluated: 2021-04-08. Review status: criteria provided, single submitter. Criteria: ACMG Guidelines, 2015. Collection method: research. Allele origin: germline. Affected: yes.
Comment: Through a review of available evidence we were able to apply the following criteria: PVS1, PM2. Based on this evidence we have classified this variant as Likely Pathogenic.